The following is an entry in ClinVar:

NM_033380.3(COL4A5):c.2620A>G (p.Ile874Val)

Gene: COL4A5 (collagen type IV alpha 5 chain; plus strand). Cytogenetic location: Xq22.3.
Variant type: single nucleotide variant.
Coding change: c.2620A>G on transcript NM_033380.3 (MANE Select); coding-DNA position 2620, A replaced by G.
Protein change: p.Ile874Val; replaces isoleucine 874 with valine.
Molecular consequence: missense variant.
Genome position (GRCh38, 1-based): chrX:108,620,369, A>G. VCF-style: chrX-108620369-A-G. GRCh37 (hg19) VCF-style: chrX-107863599-A-G.
Other names: c.2620A>G, p.Ile874Val (NM_000495.5); c.2620A>G (NM_000495.4); short protein forms I874V.
Identifiers: ClinVar variation 3367705 (VCV003367705.2).

ClinVar aggregate classification (germline): Uncertain significance. Review status: criteria provided, single submitter (1 of 4 stars). 2 submissions from 2 submitters: Uncertain significance (1). 1 of the submissions does not count toward it. Last evaluated 2024-01-12.

Conditions:
X-linked Alport syndrome (ATS1). Also called: NEPHROPATHY AND DEAFNESS, X-LINKED; COL4A5-Related Nephropathy. Identifiers: Orphanet 63, Orphanet 88917, MedGen C4746986, MONDO:0010520, OMIM 301050.

gnomAD v4.1: 1 of 1,209,691 alleles (0.000083%); highest among the groups gnomAD compares: Admixed American, 0.0022%; no homozygotes.

Submissions (2):

GeneDx
Classification: Uncertain significance. Last evaluated: 2024-01-12. Review status: criteria provided, single submitter. Criteria: GeneDx Variant Classification Process June 2021. Collection method: clinical testing. Allele origin: germline. Affected: yes.
Comment: Not observed at significant frequency in large population cohorts (gnomAD); In silico analysis supports that this missense variant does not alter protein structure/function; Has not been previously published as pathogenic or benign to our knowledge

Natera, Inc.
Classification: Uncertain significance for X-linked Alport syndrome. Last evaluated: 2025-02-23. Review status: no assertion criteria provided. Collection method: clinical testing. Allele origin: germline. Not counted in ClinVar's aggregate classification.